The following is an entry in ClinVar:

NM_000375.3(UROS):c.-26-187C>T

Gene: UROS (uroporphyrinogen III synthase; minus strand). Cytogenetic location: 10q26.2.
Variant type: single nucleotide variant.
Coding change: c.-26-187C>T on transcript NM_000375.3 (MANE Select); 187 bases into the intron before 26 bases upstream of the start codon, C replaced by T.
Molecular consequence: intron variant.
Genome position (GRCh38, 1-based): chr10:125,816,712, G>A on the plus strand (C>T on the coding strand, the complement: UROS is on the minus strand). VCF-style: chr10-125816712-G-A. GRCh37 (hg19) VCF-style: chr10-127505281-G-A.
Other names: c.-26-187C>T (NM_001324038.2, NM_001324037.2, NM_001324036.2 and 1 more transcripts).
Identifiers: ClinVar variation 4977668 (VCV004977668.1).
Genomic context (GRCh38, chr10:125,816,712, plus strand): 5'-CCATGACTTAGCACTAATGGGCTTGTTCTTTCTGAAGACCCCTGTCACTGATAAGGCCAA[G>A]AAAGAGCATGTTAGCAGTTGATATCACTTGGAAAGACAGATGAAACCATTAGTGAAAGCC-3'

ClinVar aggregate classification (germline): Uncertain significance (1 of 4 stars; one submission).

Conditions:
UROS-related disorder. Also called: UROS-related condition.

gnomAD v4.1: 19 of 623,594 alleles (0.003%); highest among the groups gnomAD compares: Admixed American, 0.0053%; no homozygotes.

Submission:

PreventionGenetics, part of Exact Sciences
Classification: Uncertain significance for UROS-related condition. Last evaluated: 2025-11-11. Review status: criteria provided, single submitter. Criteria: ACMG Guidelines, 2015. Collection method: clinical testing. Allele origin: germline.
Comment: The UROS c.-26-187C>T variant is located in the 5' untranslated region. To our knowledge, this variant has not been reported in the literature. This variant is reported in 0.0065% of alleles in individuals of European (Non-Finnish) descent in gnomAD. Pre-coding variants in UROS that disrupt GATA1 and CP2 promotor sequences have been reported in association with congenital erythropoietic porphyria (Solis et al. 2001. PubMed ID: 11254675). At this time, the clinical significance of this variant is uncertain due to the absence of conclusive functional and genetic evidence.